The following is an entry in ClinVar:

NM_004700.4(KCNQ4):c.840A>G (p.Thr280=)

Gene: KCNQ4 (potassium voltage-gated channel subfamily Q member 4; plus strand). Cytogenetic location: 1p34.2.
Variant type: single nucleotide variant.
Coding change: c.840A>G on transcript NM_004700.4 (MANE Select); coding-DNA position 840, A replaced by G.
Protein change: p.Thr280=; no amino-acid change (threonine 280 retained).
Molecular consequence: synonymous variant.
Genome position (GRCh38, 1-based): chr1:40,819,880, A>G. VCF-style: chr1-40819880-A-G. GRCh37 (hg19) VCF-style: chr1-41285552-A-G.
Other names: c.840A>G, p.Thr280= (NM_172163.3).
Identifiers: ClinVar variation 3778171 (VCV003778171.7).

ClinVar aggregate classification (germline): Likely benign (1 of 4 stars; one submission).

Submission:

CeGaT Center for Human Genetics Tuebingen
Classification: Likely benign. Last evaluated: 2025-02-01. Review status: criteria provided, single submitter. Criteria: CeGaT Center For Human Genetics Tuebingen Variant Classification Criteria Version 2. Collection method: clinical testing. Allele origin: germline. Affected: yes. Observed: 1 variant allele.
Comment: KCNQ4: BP4, BP7